The following is an entry in ClinVar:

NM_000136.3(FANCC):c.1611C>A (p.Gly537=)

Genes: AOPEP (aminopeptidase O (putative); plus strand), FANCC (FA complementation group C; minus strand). Cytogenetic location: 9q22.32.
Variant type: single nucleotide variant.
Coding change: c.1611C>A on transcript NM_000136.3 (MANE Select); coding-DNA position 1611, C replaced by A.
Protein change: p.Gly537=; no amino-acid change (glycine 537 retained).
Molecular consequence: synonymous variant.
Genome position (GRCh38, 1-based): chr9:95,101,773, G>T on the plus strand (C>A on the coding strand, the complement: FANCC is on the minus strand). VCF-style: chr9-95101773-G-T. GRCh37 (hg19) VCF-style: chr9-97864055-G-T.
Other names: c.1611C>A, p.Gly537= (NM_001243743.2).
Identifiers: ClinVar variation 516062 (VCV000516062.39), dbSNP rs1027358273, ClinGen allele CA196536712.
Genomic context (GRCh38, chr9:95,101,773, plus strand): 5'-TTGAGTTCGCAGCTCTTTAAGGAGCTCTCGGGCCAGTTTTTCTGATCTAGGGCTTTCAAT[G>T]CCAAGACGATTCCATCTGTACAAGGTCTGGTCAAGAAAGCCAATGATCTCGTGAGTTATC-3'
Protein context (NP_000127.2, residues 527-547): DQTLYRWNRL[Gly537=]IESPRSEKLA

ClinVar aggregate classification (germline): Likely benign. Review status: criteria provided, multiple submitters, no conflicts (2 of 4 stars). 5 submissions from 5 submitters: Likely benign (4). 1 of the submissions does not count toward it. Last evaluated 2024-11-01.

Conditions:
Fanconi anemia (FA). Also called: Fanconi's anemia. Identifiers: Orphanet 84, MedGen C0015625, MeSH D005199, MONDO:0019391.
Hereditary cancer-predisposing syndrome. Also called: Neoplastic Syndromes, Hereditary; Hereditary Cancer Syndrome; Tumor predisposition; Hereditary neoplastic syndrome. Identifiers: Orphanet 140162, MedGen C0027672, MeSH D009386, MONDO:0015356.
Fanconi anemia complementation group C (FANCC). Also called: Fanconi anemia, group C; FANCONI PANCYTOPENIA, TYPE 3; FACC; FANCC-Related Fanconi Anemia. Identifiers: Orphanet 84, MedGen C3468041, MONDO:0009213, OMIM 227645.

Allele frequency attached by ClinVar (database versions not stated): gnomAD exomes below 0.00001; TOPMed 0.00001; gnomAD 0.00003.
gnomAD v4.1: 5 of 1,614,102 alleles (0.00031%); highest among the groups gnomAD compares: Non-Finnish European, 0.00042%; no homozygotes.

Submissions (5):

CeGaT Center for Human Genetics Tuebingen
Classification: Likely benign. Last evaluated: 2024-11-01. Review status: criteria provided, single submitter. Criteria: CeGaT Center For Human Genetics Tuebingen Variant Classification Criteria Version 2. Collection method: clinical testing. Allele origin: germline. Affected: yes. Observed: 2 variant alleles.
Comment: FANCC: BP4, BP7

Labcorp Genetics (formerly Invitae), Labcorp
Classification: Likely benign for Fanconi anemia. Last evaluated: 2024-02-29. Review status: criteria provided, single submitter. Criteria: Invitae Variant Classification Sherloc (09022015). Collection method: clinical testing. Allele origin: germline.

Ambry Genetics
Classification: Likely benign for Hereditary cancer-predisposing syndrome. Last evaluated: 2021-11-02. Review status: criteria provided, single submitter. Criteria: Ambry Variant Classification Scheme 2023. Collection method: clinical testing. Allele origin: germline.

GeneDx
Classification: Likely benign. Last evaluated: 2017-10-10. Review status: criteria provided, single submitter. Criteria: GeneDx Variant Classification (06012015). Collection method: clinical testing. Allele origin: germline. Affected: yes.
Comment: This variant is considered likely benign or benign based on one or more of the following criteria: it is a conservative change, it occurs at a poorly conserved position in the protein, it is predicted to be benign by multiple in silico algorithms, and/or has population frequency not consistent with disease.

Natera, Inc.
Classification: Uncertain significance for Fanconi anemia, group C. Last evaluated: 2020-01-24. Review status: no assertion criteria provided. Collection method: clinical testing. Allele origin: germline. Not counted in ClinVar's aggregate classification.